The following is an entry in ClinVar:

ClinVar aggregate classification (germline): Uncertain significance (1 of 4 stars; one submission).

Submission:

CeGaT Center for Human Genetics Tuebingen
Classification: Uncertain significance. Last evaluated: 2022-12-01. Review status: criteria provided, single submitter. Criteria: CeGaT Center For Human Genetics Tuebingen Variant Classification Criteria Version 2. Collection method: clinical testing. Allele origin: germline. Affected: yes. Observed: 1 variant allele.
Comment: KMT2D: PM2, PP2, BP4

NM_003482.4(KMT2D):c.8615C>T (p.Ala2872Val)

Gene: KMT2D (lysine methyltransferase 2D; minus strand). Cytogenetic location: 12q13.12.
Variant type: single nucleotide variant.
Coding change: c.8615C>T on transcript NM_003482.4 (MANE Select); coding-DNA position 8615, C replaced by T.
Protein change: p.Ala2872Val; replaces alanine 2872 with valine.
Molecular consequence: missense variant.
Genome position (GRCh38, 1-based): chr12:49,038,741, G>A on the plus strand (C>T on the coding strand, the complement: KMT2D is on the minus strand). VCF-style: chr12-49038741-G-A. GRCh37 (hg19) VCF-style: chr12-49432524-G-A.
Other names: short protein forms A2872V.
Identifiers: ClinVar variation 1879235 (VCV001879235.29), dbSNP rs2120503468, ClinGen allele CA384741518.